The following is an entry in ClinVar:

ClinVar aggregate classification (germline): Uncertain significance (1 of 4 stars; one submission).

Conditions:
Inborn genetic diseases. Identifiers: MedGen C0950123, MeSH D030342.

Submission:

Ambry Genetics
Classification: Uncertain significance for Inborn genetic diseases. Last evaluated: 2025-03-03. Review status: criteria provided, single submitter. Criteria: Ambry Variant Classification Scheme 2023. Collection method: clinical testing. Allele origin: germline.
Comment: The p.V1332G variant (also known as c.3995T>G), located in coding exon 13 of the ASXL1 gene, results from a T to G substitution at nucleotide position 3995. The valine at codon 1332 is replaced by glycine, an amino acid with dissimilar properties. This amino acid position is conserved. In addition, this alteration is predicted to be tolerated by in silico analysis. Based on the available evidence, the clinical significance of this variant remains unclear.

NM_015338.6(ASXL1):c.3995T>G (p.Val1332Gly)

Gene: ASXL1 (ASXL transcriptional regulator 1; plus strand). Cytogenetic location: 20q11.21.
Variant type: single nucleotide variant.
Coding change: c.3995T>G on transcript NM_015338.6 (MANE Select); coding-DNA position 3995, T replaced by G.
Protein change: p.Val1332Gly; replaces valine 1332 with glycine.
Molecular consequence: missense variant.
Genome position (GRCh38, 1-based): chr20:32,436,707, T>G. VCF-style: chr20-32436707-T-G. GRCh37 (hg19) VCF-style: chr20-31024510-T-G.
Other names: c.3812T>G, p.Val1271Gly (NM_001363734.1); short protein forms V1332G, V1271G.
Identifiers: ClinVar variation 3794032 (VCV003794032.1).
Genomic context (GRCh38, chr20:32,436,707, plus strand): 5'-CAACCCTTCAGCGCCCCAGGCCTGCGGACCCGATGCCTCTTCCTGCTGAGATCCCTCCAG[T>G]TTTTCCCAGTGGGAAGTTGGGACCAAGCACAAACTCCATGTCTGGTGGGGTACAGACTCC-3'
Protein context (NP_056153.2, residues 1322-1342): PMPLPAEIPP[Val1332Gly]FPSGKLGPST